The following is an entry in ClinVar:

NM_000540.3(RYR1):c.12842_12859dup (p.Gly4281_Ala4286dup)

Gene: RYR1 (ryanodine receptor 1; plus strand). Cytogenetic location: 19q13.2.
Variant type: Duplication.
Coding change: c.12842_12859dup on transcript NM_000540.3 (MANE Select); coding-DNA positions 12842 to 12859, 18 bases duplicated (GGCTCGAGGGCACGGCGG).
Protein change: p.Gly4281_Ala4286dup.
Molecular consequence: inframe insertion.
Genome position (GRCh38, 1-based): chr19:38,565,176-38,565,193, GGCTCGAGGGCACGGCGG duplicated; duplicating any 18 consecutive bases within chr19:38,565,170-38,565,193 gives the same sequence; the c. name uses the placement nearest the transcript's 3' end. VCF-style (leftmost placement, unchanged base first): chr19-38565169-G-GCGGCGGGGCTCGAGGGCA. GRCh37 (hg19) VCF-style: chr19-39055809-G-GCGGCGGGGCTCGAGGGCA.
Other names: c.12827_12844dup, p.Gly4276_Ala4281dup (NM_001042723.2).
Identifiers: ClinVar variation 1403415 (VCV001403415.8), dbSNP rs1339923680, ClinGen allele CA882058466.

ClinVar aggregate classification (germline): Uncertain significance. Review status: criteria provided, multiple submitters, no conflicts (2 of 4 stars). 2 submissions from 2 submitters: Uncertain significance (2). Last evaluated 2025-05-27.

Conditions:
Congenital myopathy with fiber type disproportion. Also called: Congenital fiber-type disproportion; Congenital fiber-type disproportion myopathy. Identifiers: Orphanet 2020, MedGen C0546264, MONDO:0009711. Inheritance: all.
Central core myopathy (CMYO1A). Also called: CONGENITAL MYOPATHY 1A, AUTOSOMAL DOMINANT, WITH SUSCEPTIBILITY TO MALIGNANT HYPERTHERMIA; Central core disease; Myopathy, central fibrillar. Identifiers: Orphanet 597, MedGen C5830701, MONDO:0007294, OMIM 117000.
Malignant hyperthermia, susceptibility to, 1 (MHS1). Also called: Anesthesia related hyperthermia; Malignant hyperpyrexia; Fulminating hyperpyrexia; Pharmacogenic myopathy; Malignant hyperthermia suceptibility 1; RYR1-Related Malignant Hyperthermia Susceptibility. Identifiers: Orphanet 423, MedGen C2930980, MONDO:0007783, OMIM 145600.
Congenital multicore myopathy with external ophthalmoplegia (CMYO1B). Also called: Congenital myopathy 1B, autosomal recessive; Minicore myopathy; MULTICORE MYOPATHY; Minicore myopathy with external ophthalmoplegia; MULTIMINICORE DISEASE WITH EXTERNAL OPHTHALMOPLEGIA. Identifiers: Orphanet 598, Orphanet 98905, MedGen C1850674, MONDO:0009712, OMIM 255320, HP:0003789.
King Denborough syndrome (KDS). Identifiers: MedGen C1840365, MONDO:0020485, OMIM 619542.
RYR1-related disorder. Also called: RYR1-related disorders; RYR1-related condition. Identifiers: MedGen CN239331.

Submissions (2):

Labcorp Genetics (formerly Invitae), Labcorp
Classification: Uncertain significance for RYR1-related disorder. Last evaluated: 2025-05-27. Review status: criteria provided, single submitter. Criteria: Invitae Variant Classification Sherloc (09022015). Collection method: clinical testing. Allele origin: germline.
Comment: This variant, c.12842_12859dup, results in the insertion of 6 amino acid(s) of the RYR1 protein (p.Gly4281_Ala4286dup), but otherwise preserves the integrity of the reading frame. This variant is not present in population databases (gnomAD no frequency). This variant has not been reported in the literature in individuals affected with RYR1-related conditions. ClinVar contains an entry for this variant (Variation ID: 1403415). Experimental studies and prediction algorithms are not available or were not evaluated, and the functional significance of this variant is currently unknown. In summary, the available evidence is currently insufficient to determine the role of this variant in disease. Therefore, it has been classified as a Variant of Uncertain Significance.

Fulgent Genetics
Classification: Uncertain significance for Central core myopathy; Malignant hyperthermia, susceptibility to, 1; Congenital myopathy 4A, autosomal dominant; Congenital multicore myopathy with external ophthalmoplegia; King Denborough syndrome. Last evaluated: 2021-08-30. Review status: criteria provided, single submitter. Criteria: ACMG Guidelines, 2015. Collection method: clinical testing. Allele origin: unknown.